The following is an entry in ClinVar:

ClinVar aggregate classification (germline): Likely pathogenic (1 of 4 stars; one submission).

Conditions:
Hereditary spastic paraplegia 49 (HSAN9). Also called: TECPR2-Related Hereditary Sensory and Autonomic Neuropathy with Intellectual Disability; Spastic paraplegia 49, autosomal recessive; NEUROPATHY, HEREDITARY SENSORY AND AUTONOMIC, TYPE IX, WITH DEVELOPMENTAL DELAY. Identifiers: Orphanet 320385, MedGen C5190860, MONDO:0014016, OMIM 615031.

Submission:

Natera, Inc.
Classification: Likely pathogenic for Autosomal recessive spastic paraplegia type 49. Last evaluated: 2024-11-22. Review status: criteria provided, single submitter. Criteria: Natera Variant Classification Schema (03/2026). Collection method: clinical testing. Allele origin: germline.
Comment: The c.2392C>T variant in TECPR2 is a nonsense variant predicted to introduce a stop codon at amino acid 798. This variant is expected to result in nonsense mediated decay, truncation, or a dysfunctional protein product. This variant is rare in the general population with a frequency below the threshold expected for the associated phenotype(s). Given the available evidence, this variant is classified as Likely Pathogenic.

NM_014844.5(TECPR2):c.2392C>T (p.Gln798Ter)

Gene: TECPR2 (tectonin beta-propeller repeat containing 2; plus strand). Cytogenetic location: 14q32.31.
Variant type: single nucleotide variant.
Coding change: c.2392C>T on transcript NM_014844.5 (MANE Select); coding-DNA position 2392, C replaced by T.
Protein change: p.Gln798Ter; replaces glutamine 798 with a stop codon.
Molecular consequence: nonsense.
Genome position (GRCh38, 1-based): chr14:102,435,209, C>T. VCF-style: chr14-102435209-C-T. GRCh37 (hg19) VCF-style: chr14-102901546-C-T.
Other names: c.2392C>T, p.Gln798Ter (NM_001172631.3); short protein forms Q798*.
Identifiers: ClinVar variation 4815742 (VCV004815742.1).